The following is an entry in ClinVar:

ClinVar aggregate classification (germline): Conflicting classifications of pathogenicity. Review status: criteria provided, conflicting classifications (1 of 4 stars). 3 submissions from 3 submitters: Uncertain significance (1); Benign (1); Likely benign (1). Last evaluated 2025-03-12.

Conditions:
Occult macular dystrophy (OCMD). Also called: OCCULT MACULAR DYSTROPHY, SUSCEPTIBILITY TO; OMD. Identifiers: Orphanet 247834, MedGen C3150833, MONDO:0013316, OMIM 613587, HP:0030636.
RP1L1-related disorder. Also called: RP1L1-related condition.
Inborn genetic diseases. Identifiers: MedGen C0950123, MeSH D030342.

Allele frequency attached by ClinVar (database versions not stated): TOPMed 0.00033; 1000 Genomes Project 0.00040; 1000 Genomes Project 30x 0.00047.
gnomAD v4.1: 97 of 1,600,850 alleles (0.0061%); highest among the groups gnomAD compares: African/African-American, 0.11%; no homozygotes.

Submissions (3):

PreventionGenetics, part of Exact Sciences
Classification: Uncertain significance for RP1L1-related condition. Last evaluated: 2025-03-12. Review status: criteria provided, single submitter. Criteria: ACMG Guidelines, 2015. Collection method: clinical testing. Allele origin: germline.
Comment: The RP1L1 c.776C>A variant is predicted to result in the amino acid substitution p.Pro259Gln. To our knowledge, this variant has not been reported in the literature. This variant is present in 0.075% of alleles in individuals of African descent in gnomAD, which may be too common to be an unreported cause of disease. Although we suspect that this variant may be benign, at this time, the clinical significance of this variant is uncertain due to the absence of conclusive functional and genetic evidence.

Ambry Genetics
Classification: Likely benign for Inborn genetic diseases. Last evaluated: 2021-11-12. Review status: criteria provided, single submitter. Criteria: Ambry Variant Classification Scheme 2023. Collection method: clinical testing. Allele origin: germline.

Illumina Laboratory Services, Illumina
Classification: Benign for Occult macular dystrophy. Last evaluated: 2018-01-12. Review status: criteria provided, single submitter. Criteria: ICSL Variant Classification Criteria 13 December 2019. Collection method: clinical testing. Allele origin: germline.
Comment: This variant was observed in the ICSL laboratory as part of a predisposition screen in an ostensibly healthy population. It had not been previously curated by ICSL or reported in the Human Gene Mutation Database (HGMD: prior to June 1st, 2018), and was therefore a candidate for classification through an automated scoring system. Utilizing variant allele frequency, disease prevalence and penetrance estimates, and inheritance mode, an automated score was calculated to assess if this variant is too frequent to cause the disease. Based on the score and internal cut-off values, a variant classified as benign is not then subjected to further curation. The score for this variant resulted in a classification of benign for this disease.

NM_178857.6(RP1L1):c.776C>A (p.Pro259Gln)

Gene: RP1L1 (RP1 like 1). Cytogenetic location: 8p23.1.
Variant type: single nucleotide variant.
Coding change: c.776C>A on transcript NM_178857.6 (MANE Select); coding-DNA position 776, C replaced by A.
Protein change: p.Pro259Gln; replaces proline 259 with glutamine.
Molecular consequence: missense variant.
Genome position (GRCh38, 1-based): chr8:10,613,322, G>T on the plus strand (C>A on the coding strand, the complement: RP1L1 is on the minus strand). VCF-style: chr8-10613322-G-T. GRCh37 (hg19) VCF-style: chr8-10470832-G-T.
Other names: short protein forms P259Q.
Identifiers: ClinVar variation 361396 (VCV000361396.8), dbSNP rs374097176, ClinGen allele CA4625459.